The following is an entry in ClinVar:

ClinVar aggregate classification (germline): Uncertain significance. Review status: criteria provided, multiple submitters, no conflicts (2 of 4 stars). 2 submissions from 2 submitters: Uncertain significance (2). Last evaluated 2023-11-03.

Conditions:
Gorlin syndrome. Also called: Nevoid Basal Cell Carcinoma Syndrome; Basal cell nevus syndrome. Identifiers: Orphanet 377, MedGen C0004779, MONDO:0007187.
Hereditary cancer-predisposing syndrome. Also called: Neoplastic Syndromes, Hereditary; Hereditary Cancer Syndrome; Hereditary neoplastic syndrome; Tumor predisposition. Identifiers: Orphanet 140162, MedGen C0027672, MeSH D009386, MONDO:0015356.

Submissions (2):

Ambry Genetics
Classification: Uncertain significance for Hereditary cancer-predisposing syndrome. Last evaluated: 2023-11-03. Review status: criteria provided, single submitter. Criteria: Ambry Variant Classification Scheme 2023. Collection method: clinical testing. Allele origin: germline.
Comment: The c.55_57dupGGC variant (also known as p.G19dup), located in coding exon 1 of the PTCH1 gene, results from an in-frame duplication of GGC at nucleotide positions 55 to 57. This results in the duplication of an extra glycine residue between codons 19 and 20. This amino acid position is not well conserved in available vertebrate species. In addition, this alteration is predicted to be neutral by in silico analysis (Choi Y et al. PLoS ONE. 2012; 7(10):e46688). Since supporting evidence is limited at this time, the clinical significance of this alteration remains unclear.

Labcorp Genetics (formerly Invitae), Labcorp
Classification: Uncertain significance for Gorlin syndrome. Last evaluated: 2022-01-08. Review status: criteria provided, single submitter. Criteria: Invitae Variant Classification Sherloc (09022015). Collection method: clinical testing. Allele origin: germline.
Comment: In summary, the available evidence is currently insufficient to determine the role of this variant in disease. Therefore, it has been classified as a Variant of Uncertain Significance. Experimental studies and prediction algorithms are not available or were not evaluated, and the functional significance of this variant is currently unknown. ClinVar contains an entry for this variant (Variation ID: 825787). This variant has not been reported in the literature in individuals affected with PTCH1-related conditions. This variant is not present in population databases (gnomAD no frequency). This variant, c.55_57dup, results in the insertion of 1 amino acid(s) of the PTCH1 protein (p.Gly19dup), but otherwise preserves the integrity of the reading frame.

NM_000264.5(PTCH1):c.55_57dup (p.Gly19dup)

Genes: PTCH1 (patched 1; minus strand), LOC130002133 (ATAC-STARR-seq lymphoblastoid silent region 20071; plus strand). Cytogenetic location: 9q22.32.
Variant type: Duplication.
Coding change: c.55_57dup on transcript NM_000264.5 (MANE Select); coding-DNA positions 55 to 57, 3 bases duplicated (GGC; older notation c.55_57dupGGC).
Protein change: p.Gly19dup; duplicates glycine 19.
Molecular consequence: inframe insertion. On other transcripts: intron variant (3), non-coding transcript variant (1).
Genome position (GRCh38, 1-based): chr9:95,508,305-95,508,307, GCC duplicated on the plus strand (GGC on the coding strand, the reverse complement: PTCH1 is on the minus strand); duplicating any 3 consecutive bases within chr9:95,508,305-95,508,309 gives the same sequence; the c. name uses the placement nearest the transcript's 3' end. VCF-style (leftmost placement, unchanged base first): chr9-95508304-A-AGCC. GRCh37 (hg19) VCF-style: chr9-98270586-A-AGCC.
Other names: c.4-1708_4-1706dup (NM_001354919.2, NM_001083602.3); c.55_57dup (NM_000264.3); c.55_57dup, p.Gly19dup (NM_001354918.2); c.199-1708_199-1706dup (NM_001083603.3).
Identifiers: ClinVar variation 825787 (VCV000825787.12), dbSNP rs1587700945, ClinGen allele CA915947104.